The following is an entry in ClinVar:

NM_004586.3(RPS6KA3):c.1605G>A (p.Val535=)

Gene: RPS6KA3 (ribosomal protein S6 kinase A3; minus strand). Cytogenetic location: Xp22.12.
Variant type: single nucleotide variant.
Coding change: c.1605G>A on transcript NM_004586.3 (MANE Select); coding-DNA position 1605, G replaced by A.
Protein change: p.Val535=; no amino-acid change (valine 535 retained).
Molecular consequence: synonymous variant.
Genome position (GRCh38, 1-based): chrX:20,165,058, C>T on the plus strand (G>A on the coding strand, the complement: RPS6KA3 is on the minus strand). VCF-style: chrX-20165058-C-T. GRCh37 (hg19) VCF-style: chrX-20183176-C-T.
Other names: c.1521G>A, p.Val507= (NM_001438340.1).
Identifiers: ClinVar variation 4993210 (VCV004993210.1).

ClinVar aggregate classification (germline): Uncertain significance (1 of 4 stars; one submission).

Conditions:
RPS6KA3-related disorder. Also called: RPS6KA3-related condition.

gnomAD v4.1: 6 of 1,165,608 alleles (0.00051%); highest among the groups gnomAD compares: African/African-American, 0.0018%; no homozygotes.

Submission:

PreventionGenetics, part of Exact Sciences
Classification: Uncertain significance for RPS6KA3-related condition. Last evaluated: 2026-06-30. Review status: criteria provided, single submitter. Criteria: ACMG Guidelines, 2015. Collection method: clinical testing. Allele origin: germline.
Comment: The RPS6KA3 c.1605G>A variant is not predicted to result in an amino acid change (p.=). To our knowledge, this variant has not been reported in the literature. This variant is reported in 0.0076% of alleles in individuals of African descent in gnomAD. At this time, the clinical significance of this variant is uncertain due to the absence of conclusive functional and genetic evidence.